The following is an entry in ClinVar:

NM_001378452.1(ITPR1):c.1918T>C (p.Ser640Pro)

Gene: ITPR1 (inositol 1,4,5-trisphosphate receptor type 1; plus strand). Cytogenetic location: 3p26.1.
Variant type: single nucleotide variant.
Coding change: c.1918T>C on transcript NM_001378452.1 (MANE Select); coding-DNA position 1918, T replaced by C.
Protein change: p.Ser640Pro; replaces serine 640 with proline.
Molecular consequence: missense variant.
Genome position (GRCh38, 1-based): chr3:4,669,685, T>C. VCF-style: chr3-4669685-T-C. GRCh37 (hg19) VCF-style: chr3-4711369-T-C.
Other names: c.1918T>C, p.Ser640Pro (NM_001099952.4); c.1873T>C, p.Ser625Pro (NM_001168272.2, NM_002222.7); short protein forms S625P, S640P.
Identifiers: ClinVar variation 3376614 (VCV003376614.3).

ClinVar aggregate classification (germline): Uncertain significance (1 of 4 stars; one submission).

Conditions:
Gillespie syndrome (GLSP). Also called: Aniridia, cerebellar ataxia, and mental deficiency; Aniridia-cerebellar ataxia-intellectual disability syndrome. Identifiers: Orphanet 1065, MedGen C0431401, MONDO:0008795, OMIM 206700.

Submission:

Victorian Clinical Genetics Services, Murdoch Childrens Research Institute
Classification: Uncertain significance for Gillespie syndrome. Last evaluated: 2024-10-13. Review status: criteria provided, single submitter. Criteria: ACMG Guidelines, 2015. Collection method: clinical testing. Allele origin: germline. Affected: yes.
Comment: This variant is classified as VUS-3A. Evidence in support of pathogenic classification: Variant is absent from gnomAD (v2, v3 and v4); Missense variant consistently predicted to be damaging by multiple in silico tools or highly conserved with a major amino acid change; Additional information: Variant is predicted to result in a missense amino acid change from serine to proline; This variant is heterozygous; This gene is associated with both recessive and dominant disease. Only biallelic truncating variants have been reported for recessive Gillespie syndrome (MIM#206700) (PMID: 29925855). Otherwise, there is no clear genotype-phenotype correlation regarding the location of a variant and its associated condition; This variant has no previous evidence of pathogenicity; No published segregation evidence has been identified for this variant; No published functional evidence has been identified for this variant; No comparable missense variants have previous evidence for pathogenicity; Variant is located in the annotated RIH domain (DECIPHER); Loss of function and gain of function are known mechanisms of disease in this gene and are associated with spinocerebellar ataxia 29, congenital nonprogressive (MIM#117360), Gillespie syndrome (MIM#206700), and spinocerebellar ataxia 15 (MIM#606658). Missense variants have been reported to cause both loss and gain of function mechanisms (PMIDs: 28620721, 29925855, OMIM), while variants resulting in a truncated protein have been reported to cause loss of function only (PMID: 29925855).

Literature cited by the submitters: PubMed 28620721; PubMed 29925855.